The following is an entry in ClinVar:

NM_002734.5(PRKAR1A):c.567A>T (p.Glu189Asp)

Gene: PRKAR1A (protein kinase cAMP-dependent type I regulatory subunit alpha; plus strand). Cytogenetic location: 17q24.2.
Variant type: single nucleotide variant.
Coding change: c.567A>T on transcript NM_002734.5 (MANE Select); coding-DNA position 567, A replaced by T.
Protein change: p.Glu189Asp; replaces glutamic acid 189 with aspartic acid.
Molecular consequence: missense variant.
Genome position (GRCh38, 1-based): chr17:68,525,771, A>T. VCF-style: chr17-68525771-A-T. GRCh37 (hg19) VCF-style: chr17-66521912-A-T.
Other names: c.567A>T, p.Glu189Asp (NM_001276290.1, NM_001278433.2, NM_001369389.1 and 4 more transcripts); short protein forms E189D.
Identifiers: ClinVar variation 643524 (VCV000643524.11), dbSNP rs767405408, ClinGen allele CA400753088.

ClinVar aggregate classification (germline): Uncertain significance. Review status: criteria provided, multiple submitters, no conflicts (2 of 4 stars). 3 submissions from 3 submitters: Uncertain significance (3). Last evaluated 2025-10-14.

Conditions:
Carney complex, type 1 (CNC1). Also called: CARNEY MYXOMA-ENDOCRINE COMPLEX; CARNEY COMPLEX, TYPE I. Identifiers: Orphanet 1359, MedGen C2607929, MONDO:0008057, OMIM 160980.

Submissions (3):

Women's Health and Genetics/Laboratory Corporation of America, LabCorp
Classification: Uncertain significance. Last evaluated: 2025-10-14. Review status: criteria provided, single submitter. Criteria: LabCorp Variant Classification Summary - May 2015. Collection method: clinical testing. Allele origin: germline.

St. Jude Molecular Pathology, St. Jude Children's Research Hospital
Classification: Uncertain significance for Carney complex, type 1. Last evaluated: 2025-06-17. Review status: criteria provided, single submitter. Criteria: St. Jude Assertion Criteria 2020. Collection method: clinical testing. Allele origin: germline.
Comment: The PRKAR1A c.567A>T p.(Glu189Asp) missense change is absent in gnomAD v2.1.1. The in silico tool REVEL predicts a benign effect on protein function, but to our knowledge this prediction has not been confirmed by functional studies. This variant has been reported in an individual with parathyroid carcinoma (PMID: 35586626). In summary, the evidence currently available is insufficient to determine the clinical significance of this variant. It has therefore been classified as of uncertain significance.

Labcorp Genetics (formerly Invitae), Labcorp
Classification: Uncertain significance for Carney complex, type 1. Last evaluated: 2024-02-10. Review status: criteria provided, single submitter. Criteria: Invitae Variant Classification Sherloc (09022015). Collection method: clinical testing. Allele origin: germline.
Comment: This sequence change replaces glutamic acid, which is acidic and polar, with aspartic acid, which is acidic and polar, at codon 189 of the PRKAR1A protein (p.Glu189Asp). This variant is not present in population databases (gnomAD no frequency). This missense change has been observed in individual(s) with parathyroid cancer (PMID: 35586626). ClinVar contains an entry for this variant (Variation ID: 643524). Advanced modeling of protein sequence and biophysical properties (such as structural, functional, and spatial information, amino acid conservation, physicochemical variation, residue mobility, and thermodynamic stability) performed at Invitae indicates that this missense variant is not expected to disrupt PRKAR1A protein function with a negative predictive value of 80%. In summary, the available evidence is currently insufficient to determine the role of this variant in disease. Therefore, it has been classified as a Variant of Uncertain Significance.

Literature cited by the submitters: PubMed 35586626 (cited by Labcorp Genetics (formerly Invitae), Labcorp).